The following is an entry in ClinVar:

NM_181426.2(CCDC39):c.2558G>A (p.Arg853His)

Genes: CCDC39 (coiled-coil domain 39 molecular ruler complex subunit; minus strand), TTC14 (tetratricopeptide repeat domain 14; plus strand). Cytogenetic location: 3q26.33.
Variant type: single nucleotide variant.
Coding change: c.2558G>A on transcript NM_181426.2 (MANE Select); coding-DNA position 2558, G replaced by A.
Protein change: p.Arg853His; replaces arginine 853 with histidine.
Molecular consequence: missense variant. On other transcripts: intron variant (1).
Genome position (GRCh38, 1-based): chr3:180,616,544, C>T on the plus strand (G>A on the coding strand, the complement: CCDC39 is on the minus strand). VCF-style: chr3-180616544-C-T. GRCh37 (hg19) VCF-style: chr3-180334332-C-T.
Other names: c.1775-836C>T (NM_001288582.2); short protein forms R853H.
Identifiers: ClinVar variation 455021 (VCV000455021.15), dbSNP rs147183244, ClinGen allele CA2715642.

ClinVar aggregate classification (germline): Conflicting classifications of pathogenicity. Review status: criteria provided, conflicting classifications (1 of 4 stars). 4 submissions from 4 submitters: Uncertain significance (3); Likely benign (1). Last evaluated 2024-11-04.

Conditions:
Primary ciliary dyskinesia. Also called: Ciliary dyskinesia. Identifiers: Orphanet 244, MedGen C0008780, MONDO:0016575, HP:0012265.
Primary ciliary dyskinesia 14. Also called: CILIARY DYSKINESIA, PRIMARY, 14, WITH OR WITHOUT SITUS INVERSUS. Identifiers: Orphanet 244, MedGen C3151136, MONDO:0013434, OMIM 613807.

Allele frequency attached by ClinVar (database versions not stated): gnomAD 0.00013 and 0.00011; gnomAD exomes 0.00018 and 0.00011; ESP Exome Variant Server 0.00008; TOPMed 0.00016; ExAC 0.00020; 1000 Genomes Project 0.00060; 1000 Genomes Project 30x 0.00062.
gnomAD v4.1: 186 of 1,584,186 alleles (0.012%); highest among the groups gnomAD compares: East Asian, 0.038%; no homozygotes.

Submissions (4):

Blueprint Genetics
Classification: Uncertain significance. Last evaluated: 2024-11-04. Review status: criteria provided, single submitter. Criteria: ACMG Guidelines, 2015. Collection method: clinical testing. Allele origin: germline.

Labcorp Genetics (formerly Invitae), Labcorp
Classification: Uncertain significance for Primary ciliary dyskinesia. Last evaluated: 2022-07-03. Review status: criteria provided, single submitter. Criteria: Invitae Variant Classification Sherloc (09022015). Collection method: clinical testing. Allele origin: germline.
Comment: This sequence change replaces arginine, which is basic and polar, with histidine, which is basic and polar, at codon 853 of the CCDC39 protein (p.Arg853His). This variant is present in population databases (rs147183244, gnomAD 0.2%). This variant has not been reported in the literature in individuals affected with CCDC39-related conditions. ClinVar contains an entry for this variant (Variation ID: 455021). Algorithms developed to predict the effect of missense changes on protein structure and function output the following: SIFT: "Tolerated"; PolyPhen-2: "Benign"; Align-GVGD: "Class C0". The histidine amino acid residue is found in multiple mammalian species, which suggests that this missense change does not adversely affect protein function. In summary, the available evidence is currently insufficient to determine the role of this variant in disease. Therefore, it has been classified as a Variant of Uncertain Significance.

Ambry Genetics
Classification: Likely benign for Primary ciliary dyskinesia. Last evaluated: 2022-05-09. Review status: criteria provided, single submitter. Criteria: Ambry Variant Classification Scheme 2023. Collection method: clinical testing. Allele origin: germline.

Illumina Laboratory Services, Illumina
Classification: Uncertain significance for Primary ciliary dyskinesia 14. Last evaluated: 2018-01-13. Review status: criteria provided, single submitter. Criteria: ICSL Variant Classification Criteria 13 December 2019. Collection method: clinical testing. Allele origin: germline.